The following is an entry in ClinVar:

ClinVar aggregate classification (germline): Uncertain significance (1 of 4 stars; one submission).

Conditions:
Progressive myoclonic epilepsy type 9. Identifiers: Orphanet 457265, MedGen C4225289, MONDO:0014685, OMIM 616540.
Lipodystrophy, partial, acquired, susceptibility to (APLD). Also called: APLD, SUSCEPTIBILITY TO. Identifiers: MedGen C3887501, MONDO:0100476, OMIM 608709.

Submission:

Labcorp Genetics (formerly Invitae), Labcorp
Classification: Uncertain significance for Progressive myoclonic epilepsy type 9; Lipodystrophy, partial, acquired, susceptibility to. Last evaluated: 2025-02-18. Review status: criteria provided, single submitter. Criteria: Invitae Variant Classification Sherloc (09022015). Collection method: clinical testing. Allele origin: germline.
Comment: This sequence change replaces aspartic acid, which is acidic and polar, with tyrosine, which is neutral and polar, at codon 609 of the LMNB2 protein (p.Asp609Tyr). This variant is present in population databases (rs768698595, gnomAD 0.0009%). This variant has not been reported in the literature in individuals affected with LMNB2-related conditions. An algorithm developed to predict the effect of missense changes on protein structure and function (PolyPhen-2) suggests that this variant is likely to be disruptive. In summary, the available evidence is currently insufficient to determine the role of this variant in disease. Therefore, it has been classified as a Variant of Uncertain Significance.

NM_032737.4(LMNB2):c.1825G>T (p.Asp609Tyr)

Gene: LMNB2 (lamin B2; minus strand). Cytogenetic location: 19p13.3.
Variant type: single nucleotide variant.
Coding change: c.1825G>T on transcript NM_032737.4 (MANE Select); coding-DNA position 1825, G replaced by T.
Protein change: p.Asp609Tyr; replaces aspartic acid 609 with tyrosine.
Molecular consequence: missense variant.
Genome position (GRCh38, 1-based): chr19:2,430,949, C>A on the plus strand (G>T on the coding strand, the complement: LMNB2 is on the minus strand). VCF-style: chr19-2430949-C-A. GRCh37 (hg19) VCF-style: chr19-2430947-C-A.
Other names: short protein forms D609Y.
Identifiers: ClinVar variation 4792094 (VCV004792094.1).
Genomic context (GRCh38, chr19:2,430,949, plus strand): 5'-TGTGTGGATGAGGAGTGTGGGTTCACATCACGTAGCAGCCTCTTGAGGTGGTCCTCGGGT[C>A]CCCCTGCAGGAAGGAAGGAAGGAAGGTCGGCCATGATCAGGGCCAGCCTGGAGGCAGCCG-3'
Protein context (NP_116126.3, residues 599-619): GEEDLFHQQG[Asp609Tyr]PRTTSRGCYV